The following is an entry in ClinVar:

ClinVar aggregate classification (germline): Uncertain significance (1 of 4 stars; one submission).

gnomAD v4.1: 1 of 1,211,795 alleles (0.000083%); highest among the groups gnomAD compares: South Asian, 0.0018%; no homozygotes.

Submission:

CeGaT Center for Human Genetics Tuebingen
Classification: Uncertain significance. Last evaluated: 2023-03-01. Review status: criteria provided, single submitter. Criteria: CeGaT Center For Human Genetics Tuebingen Variant Classification Criteria Version 2. Collection method: clinical testing. Allele origin: germline. Affected: yes. Observed: 1 variant allele.
Comment: XIAP: PM2

NM_001167.4(XIAP):c.643C>A (p.Arg215Ser)

Gene: XIAP (X-linked inhibitor of apoptosis; plus strand). Cytogenetic location: Xq25.
Variant type: single nucleotide variant.
Coding change: c.643C>A on transcript NM_001167.4 (MANE Select); coding-DNA position 643, C replaced by A.
Protein change: p.Arg215Ser; replaces arginine 215 with serine.
Molecular consequence: missense variant.
Genome position (GRCh38, 1-based): chrX:123,886,305, C>A. VCF-style: chrX-123886305-C-A. GRCh37 (hg19) VCF-style: chrX-123020155-C-A.
Other names: c.643C>A, p.Arg215Ser (NM_001204401.2, NM_001378590.1, NM_001378591.1 and 1 more transcripts); short protein forms R215S.
Identifiers: ClinVar variation 2661351 (VCV002661351.24), dbSNP rs778612322, ClinGen allele CA414124140.